The following is an entry in ClinVar:

ClinVar aggregate classification (germline): Uncertain significance. Review status: criteria provided, multiple submitters, no conflicts (2 of 4 stars). 2 submissions from 2 submitters: Uncertain significance (2). Last evaluated 2025-10-01.

Conditions:
Inborn genetic diseases. Identifiers: MedGen C0950123, MeSH D030342.

Allele frequency attached by ClinVar (database versions not stated): gnomAD exomes below 0.00001.
gnomAD v4.1: 1 of 1,613,476 alleles (0.000062%); highest among the groups gnomAD compares: Non-Finnish European, 0.000085%; no homozygotes.

Submissions (2):

Ambry Genetics
Classification: Uncertain significance for Inborn genetic diseases. Last evaluated: 2025-10-01. Review status: criteria provided, single submitter. Criteria: Ambry Variant Classification Scheme 2023. Collection method: clinical testing. Allele origin: germline.
Comment: The p.A388V variant (also known as c.1163C>T), located in coding exon 1 of the SAMD9L gene, results from a C to T substitution at nucleotide position 1163. The alanine at codon 388 is replaced by valine, an amino acid with similar properties. This amino acid position is conserved. In addition, this alteration is predicted to be tolerated by in silico analysis. Based on the available evidence, the clinical significance of this variant remains unclear.

Labcorp Genetics (formerly Invitae), Labcorp
Classification: Uncertain significance. Last evaluated: 2022-03-13. Review status: criteria provided, single submitter. Criteria: Invitae Variant Classification Sherloc (09022015). Collection method: clinical testing. Allele origin: germline.
Comment: Algorithms developed to predict the effect of missense changes on protein structure and function output the following: SIFT: "Not Available"; PolyPhen-2: "Benign"; Align-GVGD: "Not Available". The valine amino acid residue is found in multiple mammalian species, which suggests that this missense change does not adversely affect protein function. In summary, the available evidence is currently insufficient to determine the role of this variant in disease. Therefore, it has been classified as a Variant of Uncertain Significance. This variant has not been reported in the literature in individuals affected with SAMD9L-related conditions. This sequence change replaces alanine, which is neutral and non-polar, with valine, which is neutral and non-polar, at codon 388 of the SAMD9L protein (p.Ala388Val). This variant is not present in population databases (gnomAD no frequency).

NM_152703.5(SAMD9L):c.1163C>T (p.Ala388Val)

Gene: SAMD9L (sterile alpha motif domain containing 9 like; minus strand). Cytogenetic location: 7q21.2.
Variant type: single nucleotide variant.
Coding change: c.1163C>T on transcript NM_152703.5 (MANE Select); coding-DNA position 1163, C replaced by T.
Protein change: p.Ala388Val; replaces alanine 388 with valine.
Molecular consequence: missense variant.
Genome position (GRCh38, 1-based): chr7:93,134,809, G>A on the plus strand (C>T on the coding strand, the complement: SAMD9L is on the minus strand). VCF-style: chr7-93134809-G-A. GRCh37 (hg19) VCF-style: chr7-92764122-G-A.
Other names: c.1163C>T (NM_152703.2); c.1163C>T, p.Ala388Val (NM_001303496.3, NM_001303497.3, NM_001303498.3 and 5 more transcripts); short protein forms A388V.
Identifiers: ClinVar variation 1958324 (VCV001958324.6), dbSNP rs2535430766, ClinGen allele CA368198482.